The following is an entry in ClinVar:

ClinVar aggregate classification (germline): Uncertain significance. Review status: criteria provided, single submitter (1 of 4 stars). 2 submissions from 2 submitters: Uncertain significance (1). 1 of the submissions does not count toward it. Last evaluated 2021-07-14.

Conditions:
Inborn genetic diseases. Identifiers: MedGen C0950123, MeSH D030342.
TBC1D1-related disorder. Also called: TBC1D1-related condition.

gnomAD v4.1: 7 of 1,614,178 alleles (0.00043%); highest among the groups gnomAD compares: Middle Eastern, 0.017%; no homozygotes.

Submissions (2):

Ambry Genetics
Classification: Uncertain significance for Inborn genetic diseases. Last evaluated: 2021-07-14. Review status: criteria provided, single submitter. Criteria: Ambry Variant Classification Scheme 2023. Collection method: clinical testing. Allele origin: germline.

PreventionGenetics, part of Exact Sciences
Classification: Uncertain significance for TBC1D1-related condition. Last evaluated: 2024-04-24. Review status: no assertion criteria provided. Collection method: clinical testing. Allele origin: germline. Not counted in ClinVar's aggregate classification.
Comment: The TBC1D1 c.2788A>G variant is predicted to result in the amino acid substitution p.Met930Val. To our knowledge, this variant has not been reported in the literature or in a large population database, indicating this variant is rare. At this time, the clinical significance of this variant is uncertain due to the absence of conclusive functional and genetic evidence.

NM_001396959.1(TBC1D1):c.3070A>G (p.Met1024Val)

Gene: TBC1D1 (TBC1 domain family member 1; plus strand). Cytogenetic location: 4p14.
Variant type: single nucleotide variant.
Coding change: c.3070A>G on transcript NM_001396959.1 (MANE Select); coding-DNA position 3070, A replaced by G.
Protein change: p.Met1024Val; replaces methionine 1024 with valine.
Molecular consequence: missense variant.
Genome position (GRCh38, 1-based): chr4:38,115,940, A>G. VCF-style: chr4-38115940-A-G. GRCh37 (hg19) VCF-style: chr4-38117561-A-G.
Other names: c.3070A>G, p.Met1024Val (NM_001253912.2); c.79A>G, p.Met27Val (NM_001253913.2, NM_001253914.2); c.2788A>G, p.Met930Val (NM_015173.4); c.2788A>G (NM_015173.3); short protein forms M1024V, M930V, M27V.
Identifiers: ClinVar variation 2237463 (VCV002237463.3), dbSNP rs747589201, ClinGen allele CA95583316.